The following is an entry in ClinVar:

NM_019024.3(HEATR5B):c.3756C>T (p.Ala1252=)

Gene: HEATR5B (HEAT repeat containing 5B; minus strand). Cytogenetic location: 2p22.2.
Variant type: single nucleotide variant.
Coding change: c.3756C>T on transcript NM_019024.3 (MANE Select); coding-DNA position 3756, C replaced by T.
Protein change: p.Ala1252=; no amino-acid change (alanine 1252 retained).
Molecular consequence: synonymous variant.
Genome position (GRCh38, 1-based): chr2:37,028,020, G>A on the plus strand (C>T on the coding strand, the complement: HEATR5B is on the minus strand). VCF-style: chr2-37028020-G-A. GRCh37 (hg19) VCF-style: chr2-37255163-G-A.
Identifiers: ClinVar variation 2650828 (VCV002650828.24), dbSNP rs560096586, ClinGen allele CA1613667.

ClinVar aggregate classification (germline): Likely benign (1 of 4 stars; one submission).

Allele frequency attached by ClinVar (database versions not stated): gnomAD exomes 0.00001; ExAC 0.00003; TOPMed 0.00006; 1000 Genomes Project 0.00040; 1000 Genomes Project 30x 0.00047.
gnomAD v4.1: 33 of 1,614,038 alleles (0.002%); highest among the groups gnomAD compares: African/African-American, 0.029%; no homozygotes.

Submission:

CeGaT Center for Human Genetics Tuebingen
Classification: Likely benign. Last evaluated: 2022-06-01. Review status: criteria provided, single submitter. Criteria: CeGaT Center For Human Genetics Tuebingen Variant Classification Criteria Version 2. Collection method: clinical testing. Allele origin: germline. Affected: yes. Observed: 1 variant allele.
Comment: HEATR5B: BP4, BP7